The following is an entry in ClinVar:

NM_002439.5(MSH3):c.2253G>C (p.Glu751Asp)

Gene: MSH3 (mutS homolog 3; plus strand). Cytogenetic location: 5q14.1.
Variant type: single nucleotide variant.
Coding change: c.2253G>C on transcript NM_002439.5 (MANE Select); coding-DNA position 2253, G replaced by C.
Protein change: p.Glu751Asp; replaces glutamic acid 751 with aspartic acid.
Molecular consequence: missense variant.
Genome position (GRCh38, 1-based): chr5:80,769,003, G>C. VCF-style: chr5-80769003-G-C. GRCh37 (hg19) VCF-style: chr5-80064822-G-C.
Other names: c.2253G>C (NM_002439.3); short protein forms E751D.
Identifiers: ClinVar variation 1359007 (VCV001359007.7), dbSNP rs527397856, ClinGen allele CA3328169.

ClinVar aggregate classification (germline): Conflicting classifications of pathogenicity. Review status: criteria provided, conflicting classifications (1 of 4 stars). 2 submissions from 2 submitters: Likely pathogenic (1); Uncertain significance (1). Last evaluated 2026-06-25.

Conditions:
Hereditary cancer-predisposing syndrome. Also called: Hereditary Cancer Syndrome; Neoplastic Syndromes, Hereditary; Hereditary neoplastic syndrome; Tumor predisposition. Identifiers: Orphanet 140162, MedGen C0027672, MeSH D009386, MONDO:0015356.

Allele frequency attached by ClinVar (database versions not stated): gnomAD 0.00001; 1000 Genomes Project 0.00020; ExAC 0.00001; 1000 Genomes Project 30x 0.00031; gnomAD exomes below 0.00001.
gnomAD v4.1: 2 of 1,611,662 alleles (0.00012%); highest among the groups gnomAD compares: South Asian, 0.0022%; no homozygotes.

Submissions (2):

Ambry Genetics
Classification: Likely pathogenic for Hereditary cancer-predisposing syndrome. Last evaluated: 2026-06-25. Review status: criteria provided, single submitter. Criteria: Ambry Variant Classification Scheme 2023. Collection method: clinical testing. Allele origin: germline.
Comment: The c.2253G>C variant (also known as p.E751D), located in coding exon 15 of the MSH3 gene, results from a G to C substitution at nucleotide position 2253. The amino acid change results in glutamic acid to aspartic acid at codon 751, an amino acid with highly similar properties. However, this change occurs in the last base pair of coding exon 15, which makes it likely to have some effect on normal mRNA splicing. This variant is considered to be rare based on population cohorts in the Genome Aggregation Database (gnomAD). This nucleotide position is highly conserved in available vertebrate species. This amino acid position is highly conserved in available vertebrate species. In silico splice site analysis predicts that this alteration will weaken the native splice donor site. RNA studies have demonstrated that this variant results in abnormal splicing in the set of samples tested (Ambry internal data). In addition, as a missense substitution the in silico prediction by BayesDel for this alteration is inconclusive. Based on the majority of available evidence to date, this variant is likely to be pathogenic. Based on the majority of available evidence to date, this variant is likely to be pathogenic.

Labcorp Genetics (formerly Invitae), Labcorp
Classification: Uncertain significance. Last evaluated: 2024-01-05. Review status: criteria provided, single submitter. Criteria: Invitae Variant Classification Sherloc (09022015). Collection method: clinical testing. Allele origin: germline.
Comment: This sequence change replaces glutamic acid, which is acidic and polar, with aspartic acid, which is acidic and polar, at codon 751 of the MSH3 protein (p.Glu751Asp). This variant also falls at the last nucleotide of exon 15, which is part of the consensus splice site for this exon. This variant is present in population databases (rs527397856, gnomAD 0.003%). This variant has not been reported in the literature in individuals affected with MSH3-related conditions. ClinVar contains an entry for this variant (Variation ID: 1359007). An algorithm developed to predict the effect of missense changes on protein structure and function (PolyPhen-2) suggests that this variant is likely to be disruptive. Variants that disrupt the consensus splice site are a relatively common cause of aberrant splicing (PMID: 17576681, 9536098). Algorithms developed to predict the effect of sequence changes on RNA splicing suggest that this variant may disrupt the consensus splice site. In summary, the available evidence is currently insufficient to determine the role of this variant in disease. Therefore, it has been classified as a Variant of Uncertain Significance.

Literature cited by the submitters: PubMed 17576681 (cited by Labcorp Genetics (formerly Invitae), Labcorp); PubMed 9536098 (cited by Labcorp Genetics (formerly Invitae), Labcorp).